The following is an entry in ClinVar:

NM_001035.3(RYR2):c.11935G>A (p.Val3979Met)

Gene: RYR2 (ryanodine receptor 2; plus strand). Cytogenetic location: 1q43.
Variant type: single nucleotide variant.
Coding change: c.11935G>A on transcript NM_001035.3 (MANE Select); coding-DNA position 11935, G replaced by A.
Protein change: p.Val3979Met; replaces valine 3979 with methionine.
Molecular consequence: missense variant.
Genome position (GRCh38, 1-based): chr1:237,781,619, G>A. VCF-style: chr1-237781619-G-A. GRCh37 (hg19) VCF-style: chr1-237944919-G-A.
Other names: short protein forms V3979M.
Identifiers: ClinVar variation 3605574 (VCV003605574.2).

ClinVar aggregate classification (germline): Uncertain significance (1 of 4 stars; one submission).

Conditions:
Catecholaminergic polymorphic ventricular tachycardia 1. Also called: VENTRICULAR TACHYCARDIA, STRESS-INDUCED POLYMORPHIC 1; RYR2-Related Catecholaminergic Polymorphic Ventricular Tachycardia; VENTRICULAR TACHYCARDIA, CATECHOLAMINERGIC POLYMORPHIC, 1, WITH OR WITHOUT ATRIAL DYSFUNCTION AND/OR DILATED CARDIOMYOPATHY. Identifiers: Orphanet 3286, MedGen C1631597, MONDO:0011484, OMIM 604772.

Submission:

Labcorp Genetics (formerly Invitae), Labcorp
Classification: Uncertain significance for Catecholaminergic polymorphic ventricular tachycardia 1. Last evaluated: 2024-10-21. Review status: criteria provided, single submitter. Criteria: Invitae Variant Classification Sherloc (09022015). Collection method: clinical testing. Allele origin: germline.
Comment: This sequence change replaces valine, which is neutral and non-polar, with methionine, which is neutral and non-polar, at codon 3979 of the RYR2 protein (p.Val3979Met). This variant is not present in population databases (gnomAD no frequency). This variant has not been reported in the literature in individuals affected with RYR2-related conditions. Invitae Evidence Modeling of protein sequence and biophysical properties (such as structural, functional, and spatial information, amino acid conservation, physicochemical variation, residue mobility, and thermodynamic stability) indicates that this missense variant is expected to disrupt RYR2 protein function with a positive predictive value of 95%. In summary, the available evidence is currently insufficient to determine the role of this variant in disease. Therefore, it has been classified as a Variant of Uncertain Significance.